The following is an entry in ClinVar:

NM_003325.4(HIRA):c.1065C>G (p.Leu355=)

Gene: HIRA (histone cell cycle regulator; minus strand). Cytogenetic location: 22q11.21.
Variant type: single nucleotide variant.
Coding change: c.1065C>G on transcript NM_003325.4 (MANE Select); coding-DNA position 1065, C replaced by G.
Protein change: p.Leu355=; no amino-acid change (leucine 355 retained).
Molecular consequence: synonymous variant.
Genome position (GRCh38, 1-based): chr22:19,387,759, G>C on the plus strand (C>G on the coding strand, the complement: HIRA is on the minus strand). VCF-style: chr22-19387759-G-C. GRCh37 (hg19) VCF-style: chr22-19375282-G-C.
Identifiers: ClinVar variation 788042 (VCV000788042.6), dbSNP rs141578108, ClinGen allele CA10099800.

ClinVar aggregate classification (germline): Benign. Review status: criteria provided, single submitter (1 of 4 stars). 2 submissions from 2 submitters: Benign (1). 1 of the submissions does not count toward it. Last evaluated 2019-12-31.

Conditions:
HIRA-related disorder.

Allele frequency attached by ClinVar (database versions not stated): TOPMed 0.00396; ESP Exome Variant Server 0.00415; gnomAD 0.00427; 1000 Genomes Project 0.00459; 1000 Genomes Project 30x 0.00515.
gnomAD v4.1: 1,165 of 1,613,952 alleles (0.072%); highest among the groups gnomAD compares: African/African-American, 1.4%; 14 homozygotes.

Submissions (2):

Labcorp Genetics (formerly Invitae), Labcorp
Classification: Benign. Last evaluated: 2019-12-31. Review status: criteria provided, single submitter. Criteria: Invitae Variant Classification Sherloc (09022015). Collection method: clinical testing. Allele origin: germline.

PreventionGenetics, part of Exact Sciences
Classification: Benign for HIRA-related condition. Last evaluated: 2019-04-12. Review status: no assertion criteria provided. Collection method: clinical testing. Allele origin: germline. Not counted in ClinVar's aggregate classification.
Comment: This variant is classified as benign based on ACMG/AMP sequence variant interpretation guidelines (Richards et al. 2015 PMID: 25741868, with internal and published modifications).